The following is an entry in ClinVar:

NM_001267550.2(TTN):c.89946C>T (p.Val29982=)

Genes: TTN-AS1 (TTN antisense RNA 1; plus strand), TTN (titin; minus strand). Cytogenetic location: 2q31.2.
Variant type: single nucleotide variant.
Coding change: c.89946C>T on transcript NM_001267550.2 (MANE Select); coding-DNA position 89946, C replaced by T.
Protein change: p.Val29982=; no amino-acid change (valine 29982 retained).
Molecular consequence: synonymous variant.
Genome position (GRCh38, 1-based): chr2:178,552,954, G>A on the plus strand (C>T on the coding strand, the complement: TTN is on the minus strand). VCF-style: chr2-178552954-G-A. GRCh37 (hg19) VCF-style: chr2-179417681-G-A.
Other names: c.85023C>T, p.Val28341= (NM_001256850.1); c.82242C>T, p.Val27414= (NM_133378.4); c.62751C>T, p.Val20917= (NM_003319.4); c.63126C>T, p.Val21042= (NM_133432.3); c.63327C>T, p.Val21109= (NM_133437.4).
Identifiers: ClinVar variation 228162 (VCV000228162.39), dbSNP rs373311459, ClinGen allele CA1987850.
Genomic context (GRCh38, chr2:178,552,954, plus strand): 5'-TGGAGTCTTCTCCGACAAATCTATTAGCTTGAAGGATGTGCTAGAACATTTGTGTGACAC[G>A]ACAGACCATGTTCTCTTGGTGGCATCTCTCTTTTCAATGACATAATTAATTATTGGAGAT-3'
Protein context (NP_001254479.2, residues 29972-29992): KRDATKRTWS[Val29982=]VSHKCSSTSF

ClinVar aggregate classification (germline): Conflicting classifications of pathogenicity. Review status: criteria provided, conflicting classifications (1 of 4 stars). 9 submissions from 9 submitters: Uncertain significance (1); Likely benign (8). Last evaluated 2026-03-27.

Conditions:
TTN-related disorder. Also called: TTN-related disorders; TTN-related condition; TTN-related disease.
Cardiovascular phenotype. Identifiers: MedGen CN230736.
Dilated cardiomyopathy 1G (CMD1G). Identifiers: Orphanet 154, MedGen C1858763, MONDO:0011400, OMIM 604145.
Autosomal recessive limb-girdle muscular dystrophy type 2J (LGMDR10). Also called: Limb-girdle muscular dystrophy, type 2J; MUSCULAR DYSTROPHY, LIMB-GIRDLE, AUTOSOMAL RECESSIVE 10. Identifiers: Orphanet 140922, MedGen C1837342, MONDO:0012127, OMIM 608807.

Allele frequency attached by ClinVar (database versions not stated): gnomAD exomes 0.00002 and 0.00007; ExAC 0.00006; TOPMed 0.00009; gnomAD 0.00014 and 0.00015; ESP Exome Variant Server 0.00025; 1000 Genomes Project 30x 0.00047; 1000 Genomes Project 0.00060.
gnomAD v4.1: 57 of 1,613,266 alleles (0.0035%); highest among the groups gnomAD compares: African/African-American, 0.037%; no homozygotes.

Submissions (9):

Molecular Diagnostic Laboratory for Inherited Cardiovascular Disease, Montreal Heart Institute
Classification: Likely benign. Last evaluated: 2026-03-27. Review status: criteria provided, single submitter. Criteria: ACMG Guidelines, 2015. Collection method: clinical testing. Allele origin: germline. Affected: no.

Labcorp Genetics (formerly Invitae), Labcorp
Classification: Likely benign for Dilated cardiomyopathy 1G; Autosomal recessive limb-girdle muscular dystrophy type 2J. Last evaluated: 2026-01-14. Review status: criteria provided, single submitter. Criteria: Invitae Variant Classification Sherloc (09022015). Collection method: clinical testing. Allele origin: germline.

PreventionGenetics, part of Exact Sciences
Classification: Likely benign for TTN-related condition. Last evaluated: 2025-08-08. Review status: criteria provided, single submitter. Criteria: ACMG Guidelines, 2015. Collection method: clinical testing. Allele origin: germline.
Comment: This variant is classified as likely benign based on ACMG/AMP sequence variant interpretation guidelines (Richards et al. 2015 PMID: 25741868, with internal and published modifications).

Blueprint Genetics
Classification: Likely benign. Last evaluated: 2024-10-14. Review status: criteria provided, single submitter. Criteria: ACMG Guidelines, 2015. Collection method: clinical testing. Allele origin: germline.

GeneDx
Classification: Likely benign. Last evaluated: 2021-07-19. Review status: criteria provided, single submitter. Criteria: GeneDx Variant Classification Process June 2021. Collection method: clinical testing. Allele origin: germline. Affected: yes.

Ambry Genetics
Classification: Likely benign for Cardiovascular phenotype. Last evaluated: 2021-01-28. Review status: criteria provided, single submitter. Criteria: Ambry Variant Classification Scheme 2023. Collection method: clinical testing. Allele origin: germline.

Women's Health and Genetics/Laboratory Corporation of America, LabCorp
Classification: Likely benign. Last evaluated: 2020-06-29. Review status: criteria provided, single submitter. Criteria: LabCorp Variant Classification Summary - May 2015. Collection method: clinical testing. Allele origin: germline.

Eurofins Ntd Llc (ga)
Classification: Uncertain significance. Last evaluated: 2017-06-07. Review status: criteria provided, single submitter. Criteria: EGL Classification Definitions 2015. Collection method: clinical testing. Allele origin: germline. Observed: 3 variant alleles, 3 heterozygotes.

Laboratory for Molecular Medicine, Mass General Brigham Personalized Medicine
Classification: Likely benign. Last evaluated: 2012-03-19. Review status: criteria provided, single submitter. Criteria: LMM Criteria. Collection method: clinical testing. Allele origin: germline. Observed: 4 variant alleles.
Comment: p.Val27414Val in exon 284 of TTN: This variant is not expected to have clinical significance because it does not alter an amino acid residue and is not located within the splice consensus sequence. It has been identified in 0.1% (2/3120) of African American chromosomes from a broad population by the NHLBI Exome Sequenc ing Project.